The following is an entry in ClinVar:

ClinVar aggregate classification (germline): Uncertain significance (1 of 4 stars; one submission).

Submission:

Labcorp Genetics (formerly Invitae), Labcorp
Classification: Uncertain significance. Last evaluated: 2023-04-27. Review status: criteria provided, single submitter. Criteria: Invitae Variant Classification Sherloc (09022015). Collection method: clinical testing. Allele origin: germline.
Comment: In summary, the available evidence is currently insufficient to determine the role of this variant in disease. Therefore, it has been classified as a Variant of Uncertain Significance. Algorithms developed to predict the effect of missense changes on protein structure and function output the following: SIFT: "Not Available"; PolyPhen-2: "Benign"; Align-GVGD: "Not Available". The leucine amino acid residue is found in multiple mammalian species, which suggests that this missense change does not adversely affect protein function. This variant has not been reported in the literature in individuals affected with GEN1-related conditions. This variant is not present in population databases (gnomAD no frequency). This sequence change replaces valine, which is neutral and non-polar, with leucine, which is neutral and non-polar, at codon 614 of the GEN1 protein (p.Val614Leu).

NM_001130009.3(GEN1):c.1840G>C (p.Val614Leu)

Gene: GEN1 (GEN1 structure-specific endonuclease; plus strand). Cytogenetic location: 2p24.2.
Variant type: single nucleotide variant.
Coding change: c.1840G>C on transcript NM_001130009.3 (MANE Select); coding-DNA position 1840, G replaced by C.
Protein change: p.Val614Leu; replaces valine 614 with leucine.
Molecular consequence: missense variant.
Genome position (GRCh38, 1-based): chr2:17,781,052, G>C. VCF-style: chr2-17781052-G-C. GRCh37 (hg19) VCF-style: chr2-17962319-G-C.
Other names: c.1840G>C, p.Val614Leu (NM_182625.5); short protein forms V614L.
Identifiers: ClinVar variation 2874928 (VCV002874928.3), dbSNP rs2545628655, ClinGen allele CA345926744.